The following is an entry in ClinVar:

ClinVar aggregate classification (germline): Uncertain significance (1 of 4 stars; one submission).

Conditions:
Pontocerebellar hypoplasia type 9. Identifiers: Orphanet 369920, MedGen C4014354, MONDO:0014351, OMIM 615809.
Hereditary spastic paraplegia 63. Also called: Spastic paraplegia 63, autosomal recessive. Identifiers: Orphanet 401805, MedGen C3810295, MONDO:0014305, OMIM 615686.

Allele frequency attached by ClinVar (database versions not stated): gnomAD 0.00001; TOPMed 0.00002.
gnomAD v4.1: 2 of 1,606,740 alleles (0.00012%); highest among the groups gnomAD compares: African/African-American, 0.0027%; no homozygotes.

Submission:

Labcorp Genetics (formerly Invitae), Labcorp
Classification: Uncertain significance for Pontocerebellar hypoplasia type 9; Hereditary spastic paraplegia 63. Last evaluated: 2018-09-24. Review status: criteria provided, single submitter. Criteria: Invitae Variant Classification Sherloc (09022015). Collection method: clinical testing. Allele origin: germline.
Comment: This sequence change replaces glycine with tryptophan at codon 30 of the AMPD2 protein (p.Gly30Trp). The glycine residue is weakly conserved and there is a large physicochemical difference between glycine and tryptophan. This variant is not present in population databases (ExAC no frequency). This variant has not been reported in the literature in individuals with AMPD2-related disease. Algorithms developed to predict the effect of missense changes on protein structure and function are either unavailable or do not agree on the potential impact of this missense change (SIFT: "Deleterious"; PolyPhen-2: "Benign"; Align-GVGD: "Class C0"). In summary, the available evidence is currently insufficient to determine the role of this variant in disease. Therefore, it has been classified as a Variant of Uncertain Significance.

NM_001368809.2(AMPD2):c.-75G>T

Gene: AMPD2 (adenosine monophosphate deaminase 2; plus strand). Cytogenetic location: 1p13.3.
Variant type: single nucleotide variant.
Coding change: c.-75G>T on transcript NM_001368809.2 (MANE Select); 75 bases upstream of the start codon, G replaced by T.
Molecular consequence: 5 prime UTR variant. On other transcripts: intron variant (1).
Genome position (GRCh38, 1-based): chr1:109,621,101, G>T. VCF-style: chr1-109621101-G-T. GRCh37 (hg19) VCF-style: chr1-110163723-G-T.
Other names: c.88G>T (NM_001257360.1); c.-7G>T (NM_001308170.1); c.10+823G>T (NM_139156.4).
Identifiers: ClinVar variation 649488 (VCV000649488.7), dbSNP rs1025210705, ClinGen allele CA28686310.